The following is an entry in ClinVar:

NM_006254.4(PRKCD):c.1441_1442delinsTC (p.Leu481Ser)

Gene: PRKCD (protein kinase C delta; plus strand). Cytogenetic location: 3p21.1.
Variant type: Indel.
Coding change: c.1441_1442delinsTC on transcript NM_006254.4 (MANE Select); coding-DNA positions 1441 to 1442, CT replaced by TC.
Protein change: p.Leu481Ser; replaces leucine 481 with serine.
Molecular consequence: missense variant.
Genome position (GRCh38, 1-based): chr3:53,188,745-53,188,746, CT replaced by TC. VCF-style: chr3-53188745-CT-TC. GRCh37 (hg19) VCF-style: chr3-53222761-CT-TC.
Other names: c.1441_1442delinsTC, p.Leu481Ser (NM_001316327.2, NM_001354679.2, NM_001354680.2 and 1 more transcripts); c.1498_1499delinsTC, p.Leu500Ser (NM_001354676.2); c.1489_1490delinsTC, p.Leu497Ser (NM_001354678.2); short protein forms L481S, L497S, L500S.
Identifiers: ClinVar variation 3342235 (VCV003342235.16).

ClinVar aggregate classification (germline): Uncertain significance (1 of 4 stars; one submission).

Submission:

CeGaT Center for Human Genetics Tuebingen
Classification: Uncertain significance. Last evaluated: 2024-08-01. Review status: criteria provided, single submitter. Criteria: CeGaT Center For Human Genetics Tuebingen Variant Classification Criteria Version 2. Collection method: clinical testing. Allele origin: germline. Affected: yes. Observed: 1 variant allele.
Comment: PRKCD: PM2